The following is an entry in ClinVar:

ClinVar aggregate classification (germline): Benign (1 of 4 stars; one submission).

Conditions:
Familial cancer of breast. Also called: Hereditary breast cancer; BREAST CANCER, FAMILIAL; hereditary breast carcinoma. Identifiers: Orphanet 227535, MedGen C0346153, MONDO:0016419, OMIM 114480. Disease mechanism: loss of function.

Submission:

Myriad Genetics, Inc.
Classification: Benign for Familial cancer of breast. Last evaluated: 2024-10-03. Review status: criteria provided, single submitter. Criteria: Myriad Autosomal Dominant, Autosomal Recessive and X-Linked Classification Criteria (2023). Collection method: clinical testing. Allele origin: unknown.
Comment: This variant is considered benign. This variant is a silent/synonymous amino acid change and it is not expected to impact splicing.

NM_007194.4(CHEK2):c.849T>C (p.Pro283=)

Gene: CHEK2 (checkpoint kinase 2; minus strand). Cytogenetic location: 22q12.1.
Variant type: single nucleotide variant.
Coding change: c.849T>C on transcript NM_007194.4 (MANE Select); coding-DNA position 849, T replaced by C.
Protein change: p.Pro283=; no amino-acid change (proline 283 retained).
Molecular consequence: synonymous variant.
Genome position (GRCh38, 1-based): chr22:28,703,564, A>G on the plus strand (T>C on the coding strand, the complement: CHEK2 is on the minus strand). VCF-style: chr22-28703564-A-G. GRCh37 (hg19) VCF-style: chr22-29099552-A-G.
Other names: c.978T>C, p.Pro326= (NM_001005735.3); c.186T>C, p.Pro62= (NM_001257387.3); c.648T>C, p.Pro216= (NM_001349956.3); c.849T>C, p.Pro283= (NM_145862.3).
Identifiers: ClinVar variation 3773568 (VCV003773568.1).